The following is an entry in ClinVar:

NM_023110.3(FGFR1):c.1537G>A (p.Val513Met)

Gene: FGFR1 (fibroblast growth factor receptor 1; minus strand). Cytogenetic location: 8p11.23.
Variant type: single nucleotide variant.
Coding change: c.1537G>A on transcript NM_023110.3 (MANE Select); coding-DNA position 1537, G replaced by A.
Protein change: p.Val513Met; replaces valine 513 with methionine.
Molecular consequence: missense variant.
Genome position (GRCh38, 1-based): chr8:38,417,885, C>T on the plus strand (G>A on the coding strand, the complement: FGFR1 is on the minus strand). VCF-style: chr8-38417885-C-T. GRCh37 (hg19) VCF-style: chr8-38275403-C-T.
Other names: c.1531G>A, p.Val511Met (NM_001174063.2, NM_001174065.2, NM_001354367.2 and 1 more transcripts); c.1507G>A, p.Val503Met (NM_001174064.2); c.1270G>A, p.Val424Met (NM_001174066.2, NM_023105.3); c.1630G>A, p.Val544Met (NM_001174067.2); c.1258G>A, p.Val420Met (NM_001354368.2); c.1525G>A, p.Val509Met (NM_001354369.2); c.1264G>A, p.Val422Met (NM_001354370.2, NM_023106.3); c.1630G>A (NM_001174067.1); short protein forms V513M, V503M, V544M, V511M, V420M, V422M, V424M, V509M.
Identifiers: ClinVar variation 426636 (VCV000426636.4), dbSNP rs1085307722, ClinGen allele CA370732939.
Genomic context (GRCh38, chr8:38,417,885, plus strand): 5'-GGAATGGGACAAGATTTTCTTTGCAAGGACAGAAGCATCACTTACACTTCAACATCTTCA[C>T]AGCCACTTTGGTCACACGGTTGGGTTTGTCCTTGTCCAGCCCGATAGCCTCTGCCAACAC-3'
Protein context (NP_075598.2, residues 503-523): DKPNRVTKVA[Val513Met]KMLKSDATEK

ClinVar aggregate classification (germline): Uncertain significance. Review status: criteria provided, multiple submitters, no conflicts (2 of 4 stars). 3 submissions from 3 submitters: Uncertain significance (3). Last evaluated 2024-12-19.

Conditions:
Hypogonadotropic hypogonadism 2 with or without anosmia (HH2). Also called: FGFR1-Related GnRH Deficiency (Kallmann Syndrome 2); HYPOGONADOTROPIC HYPOGONADISM 2 WITHOUT ANOSMIA; HYPOGONADOTROPIC HYPOGONADISM 2 WITH OR WITHOUT ANOSMIA, SUSCEPTIBILITY TO; HYPOGONADOTROPIC HYPOGONADISM 2 WITHOUT ANOSMIA, SUSCEPTIBILITY TO. Identifiers: Orphanet 478, MedGen C1563720, MONDO:0007844, OMIM 147950. Disease mechanism: loss of function.

gnomAD v4.1: 2 of 1,614,220 alleles (0.00012%); highest among the groups gnomAD compares: Non-Finnish European, 0.00017%; no homozygotes.

Submissions (3):

Genomic Medicine Center of Excellence, King Faisal Specialist Hospital and Research Centre
Classification: Uncertain significance for Hypogonadotropic hypogonadism 2 with or without anosmia. Last evaluated: 2024-12-19. Review status: criteria provided, single submitter. Criteria: ACMG Guidelines, 2015. Collection method: clinical testing. Allele origin: germline.

Blueprint Genetics
Classification: Uncertain significance. Last evaluated: 2024-10-09. Review status: criteria provided, single submitter. Criteria: ACMG Guidelines, 2015. Collection method: clinical testing. Allele origin: germline.

GeneDx
Classification: Uncertain significance. Last evaluated: 2017-04-10. Review status: criteria provided, single submitter. Criteria: GeneDx Variant Classification (06012015). Collection method: clinical testing. Allele origin: germline. Affected: yes.
Comment: The V513M variant in the FGFR1 gene has not been published as a mutation, nor has it been reported as a benign polymorphism to our knowledge. The V513M variant was not observed in large population cohorts (Lek et al., 2016; 1000 Genomes Consortium et al., 2015; Exome Variant Server). The V513M variant is a conservative amino acid substitution, which is not likely to impact secondary protein structure as these residues share similar properties. However, this substitution occurs at a position that is conserved across species, and in silico analysis predicts this variant is probably damaging to the protein structure/function. We interpret V513M as a variant of uncertain significance.